The following is an entry in ClinVar:

ClinVar aggregate classification (germline): Uncertain significance. Review status: criteria provided, multiple submitters, no conflicts (2 of 4 stars). 4 submissions from 4 submitters: Uncertain significance (3). 1 of the submissions does not count toward it. Last evaluated 2023-06-07.

Conditions:
Inborn genetic diseases. Identifiers: MedGen C0950123, MeSH D030342.
Usher syndrome type 1 (USH1). Also called: RETINITIS PIGMENTOSA AND CONGENITAL DEAFNESS. Identifiers: Orphanet 231169, Orphanet 886, MedGen C1568247, MONDO:0010168, OMIM 276900.

Allele frequency attached by ClinVar (database versions not stated): gnomAD 0.00001; TOPMed 0.00002; gnomAD exomes 0.00001.
gnomAD v4.1: 11 of 1,612,478 alleles (0.00068%); highest among the groups gnomAD compares: Admixed American, 0.005%; no homozygotes.

Submissions (4):

Ambry Genetics
Classification: Uncertain significance for Inborn genetic diseases. Last evaluated: 2023-06-07. Review status: criteria provided, single submitter. Criteria: Ambry Variant Classification Scheme 2023. Collection method: clinical testing. Allele origin: germline.

Labcorp Genetics (formerly Invitae), Labcorp
Classification: Uncertain significance. Last evaluated: 2022-08-08. Review status: criteria provided, single submitter. Criteria: Invitae Variant Classification Sherloc (09022015). Collection method: clinical testing. Allele origin: germline.
Comment: This sequence change replaces histidine, which is basic and polar, with tyrosine, which is neutral and polar, at codon 3259 of the CDH23 protein (p.His3259Tyr). This variant is present in population databases (no rsID available, gnomAD 0.003%). This variant has not been reported in the literature in individuals affected with CDH23-related conditions. ClinVar contains an entry for this variant (Variation ID: 422117). Algorithms developed to predict the effect of missense changes on protein structure and function are either unavailable or do not agree on the potential impact of this missense change (SIFT: "Tolerated"; PolyPhen-2: "Not Available"; Align-GVGD: "Class C0"). In summary, the available evidence is currently insufficient to determine the role of this variant in disease. Therefore, it has been classified as a Variant of Uncertain Significance.

GeneDx
Classification: Uncertain significance. Last evaluated: 2019-05-07. Review status: criteria provided, single submitter. Criteria: GeneDx Variant Classification Process June 2021. Collection method: clinical testing. Allele origin: germline. Affected: yes.
Comment: Not observed at a significant frequency in large population cohorts (Lek et al., 2016); Has not been previously published as pathogenic or benign to our knowledge

Natera, Inc.
Classification: Uncertain significance for Usher syndrome type 1. Last evaluated: 2019-10-28. Review status: no assertion criteria provided. Collection method: clinical testing. Allele origin: germline. Not counted in ClinVar's aggregate classification.

NM_022124.6(CDH23):c.9775C>T (p.His3259Tyr)

Gene: CDH23 (cadherin related 23; plus strand). Cytogenetic location: 10q22.1.
Variant type: single nucleotide variant.
Coding change: c.9775C>T on transcript NM_022124.6 (MANE Select); coding-DNA position 9775, C replaced by T.
Protein change: p.His3259Tyr; replaces histidine 3259 with tyrosine.
Molecular consequence: missense variant.
Genome position (GRCh38, 1-based): chr10:71,814,988, C>T. VCF-style: chr10-71814988-C-T. GRCh37 (hg19) VCF-style: chr10-73574745-C-T.
Other names: c.3055C>T, p.His1019Tyr (NM_001171933.1); c.2950C>T, p.His984Tyr (NM_001171934.1); c.466C>T, p.His156Tyr (NM_001171935.1); c.361C>T, p.His121Tyr (NM_001171936.1); short protein forms H3259Y, H156Y, H984Y, H1019Y, H121Y.
Identifiers: ClinVar variation 422117 (VCV000422117.9), dbSNP rs1064795569, ClinGen allele CA16618985.